The following is an entry in ClinVar:

NM_000701.8(ATP1A1):c.414C>T (p.Ala138=)

Gene: ATP1A1 (ATPase Na+/K+ transporting subunit alpha 1; plus strand). Cytogenetic location: 1p13.1.
Variant type: single nucleotide variant.
Coding change: c.414C>T on transcript NM_000701.8 (MANE Select); coding-DNA position 414, C replaced by T.
Protein change: p.Ala138=; no amino-acid change (alanine 138 retained).
Molecular consequence: synonymous variant.
Genome position (GRCh38, 1-based): chr1:116,388,157, C>T. VCF-style: chr1-116388157-C-T. GRCh37 (hg19) VCF-style: chr1-116930779-C-T.
Other names: c.414C>T (NM_000701.7); c.414C>T, p.Ala138= (NM_001160233.2); c.321C>T, p.Ala107= (NM_001160234.2).
Identifiers: ClinVar variation 1581560 (VCV001581560.32), dbSNP rs766790730, ClinGen allele CA1025112.

ClinVar aggregate classification (germline): Likely benign. Review status: criteria provided, multiple submitters, no conflicts (2 of 4 stars). 3 submissions from 3 submitters: Likely benign (2). 1 of the submissions does not count toward it. Last evaluated 2024-12-16.

Conditions:
ATP1A1-related disorder. Also called: ATP1A1-related condition.

Allele frequency attached by ClinVar (database versions not stated): gnomAD 0.00001; gnomAD exomes 0.00001 and 0.00002; TOPMed 0.00001; ExAC 0.00002.
gnomAD v4.1: 13 of 1,613,766 alleles (0.00081%); highest among the groups gnomAD compares: South Asian, 0.0044%; no homozygotes.

Submissions (3):

Labcorp Genetics (formerly Invitae), Labcorp
Classification: Likely benign. Last evaluated: 2024-12-16. Review status: criteria provided, single submitter. Criteria: Invitae Variant Classification Sherloc (09022015). Collection method: clinical testing. Allele origin: germline.

CeGaT Center for Human Genetics Tuebingen
Classification: Likely benign. Last evaluated: 2023-08-01. Review status: criteria provided, single submitter. Criteria: CeGaT Center For Human Genetics Tuebingen Variant Classification Criteria Version 2. Collection method: clinical testing. Allele origin: germline. Affected: yes. Observed: 1 variant allele.
Comment: ATP1A1: BP4, BP7

PreventionGenetics, part of Exact Sciences
Classification: Likely benign for ATP1A1-related condition. Last evaluated: 2019-02-21. Review status: no assertion criteria provided. Collection method: clinical testing. Allele origin: germline. Not counted in ClinVar's aggregate classification.
Comment: This variant is classified as likely benign based on ACMG/AMP sequence variant interpretation guidelines (Richards et al. 2015 PMID: 25741868, with internal and published modifications).